The following is an entry in ClinVar:

ClinVar aggregate classification (germline): Uncertain significance (1 of 4 stars; one submission).

Conditions:
Hereditary cancer-predisposing syndrome. Also called: Neoplastic Syndromes, Hereditary; Tumor predisposition; Hereditary neoplastic syndrome; Hereditary Cancer Syndrome. Identifiers: Orphanet 140162, MedGen C0027672, MeSH D009386, MONDO:0015356.

Submission:

Ambry Genetics
Classification: Uncertain significance for Hereditary cancer-predisposing syndrome. Last evaluated: 2021-07-02. Review status: criteria provided, single submitter. Criteria: Ambry Variant Classification Scheme 2023. Collection method: clinical testing. Allele origin: germline.
Comment: The c.4358-20_4358-18delTTTinsGTG alteration is located in Intron 12 (E) of the BRCA1 gene. This alteration consists of a substitution of 3 nucleotides between nucleotide positions c.4358-20 and c.4358-18. Based on insufficient or conflicting evidence, the clinical significance of this alteration remains unclear.

NM_007294.4(BRCA1):c.4358-20_4358-18delinsGTG

Gene: BRCA1 (BRCA1 DNA repair associated; minus strand). Cytogenetic location: 17q21.31.
Variant type: Indel.
Coding change: c.4358-20_4358-18delinsGTG on transcript NM_007294.4 (MANE Select); 20 bases into the intron before coding-DNA position 4358 through 18 bases into the intron before coding-DNA position 4358, TTT replaced by GTG.
Molecular consequence: intron variant.
Genome position (GRCh38, 1-based): chr17:43,076,632-43,076,634, AAA replaced by CAC on the plus strand (TTT replaced by GTG on the coding strand, the reverse complement: BRCA1 is on the minus strand). VCF-style: chr17-43076632-AAA-CAC. GRCh37 (hg19) VCF-style: chr17-41228649-AAA-CAC.
Other names: c.1046-23_1046-21delinsGTG (NM_001408396.1, NM_001408397.1, NM_001408404.1 and 5 more transcripts); c.1046-20_1046-18delinsGTG (NM_001407985.1, NM_001407980.1, NM_001408472.1 and 9 more transcripts); c.4352-23_4352-21delinsGTG (NM_001407644.1, NM_001407645.1); c.4352-20_4352-18delinsGTG (NM_001407627.1, NM_001407632.1, NM_001407631.1 and 3 more transcripts); c.809-20_809-18delinsGTG (NM_001408494.1); c.4355-23_4355-21delinsGTG (NM_001407861.1, NM_001407635.1, NM_001407640.1 and 8 more transcripts); c.4355-20_4355-18delinsGTG (NM_001407614.1, NM_001407613.1, NM_001407626.1 and 7 more transcripts); c.4421-20_4421-18delinsGTG (NM_001407587.1); and 98 more.
Identifiers: ClinVar variation 3134930 (VCV003134930.1), dbSNP rs2551696139, ClinGen allele CA2825002506.